The following is an entry in ClinVar:

GRCh37/hg19 3q26.1(chr3:167343287-167470158)x1

Genes: PDCD10 (programmed cell death 10; minus strand), SERPINI1 (serpin family I member 1; plus strand), WDR49 (WD repeat domain 49; minus strand). Cytogenetic location: 3q26.1.
Variant type: copy number loss.
Change: copy number 1 (one copy instead of two) of chr3:167,343,287-167,470,158 (126.9 kb, GRCh37 coordinates, 1-based), cytogenetic band 3q26.1.
Identifiers: ClinVar variation 2685096 (VCV002685096.1).

ClinVar aggregate classification (germline): Pathogenic (1 of 4 stars; one submission).

Submission:

Quest Diagnostics Nichols Institute San Juan Capistrano
Classification: Pathogenic. Last evaluated: 2022-12-22. Review status: criteria provided, single submitter. Criteria: ACMG/ClinGen CNV Guidelines, 2019. Collection method: clinical testing. Allele origin: unknown.
Comment: This loss involves three protein-coding genes, including PDCD10 (OMIM 609118). Heterozygous loss-of-function variants of PDCD10 are associated with autosomal dominant cerebral cavernous malformations 3 (CCM3; OMIM 603285, Denier 2006, Riant 2013, Shenkar 2015), with incomplete penetrance and variable expressivity within families (Cigoli 2014, Denier 2006, Nardella 2018, Riant 2013). There are no similar copy number losses of this region in the general populations of the Database of Genomic Variants. Thus, based on current medical literature and gene content, this copy number variant (CNV) is classified as pathogenic with reduced penetrance and variable expressivity. References: Cigoli et al., PLoS One. 2014 Oct 29;9(10):e110438. PMID: 25354366 Denier et al., Ann Neurol. 2006 Nov;60(5):550-6. PMID: 17041941 Nardella et al., Hum Mutat. 2018 Dec;39(12):1885-1900. PMID: 30161288 Riant et al., Mol Syndromol. 2013 Apr;4(4):165-72. PMID: 23801932 Shenkar et al., Genet Med. 2015 Mar;17(3):188-196. PMID: 25122144